The following is an entry in ClinVar:

NM_001458.5(FLNC):c.6538C>T (p.Arg2180Cys)

Genes: FLNC (filamin C; plus strand), FLNC-AS1 (FLNC antisense RNA 1; minus strand). Cytogenetic location: 7q32.1.
Variant type: single nucleotide variant.
Coding change: c.6538C>T on transcript NM_001458.5 (MANE Select); coding-DNA position 6538, C replaced by T.
Protein change: p.Arg2180Cys; replaces arginine 2180 with cysteine.
Molecular consequence: missense variant.
Genome position (GRCh38, 1-based): chr7:128,854,027, C>T. VCF-style: chr7-128854027-C-T. GRCh37 (hg19) VCF-style: chr7-128494081-C-T.
Other names: c.6439C>T, p.Arg2147Cys (NM_001127487.2); short protein forms R2147C, R2180C.
Identifiers: ClinVar variation 655352 (VCV000655352.15), dbSNP rs779029827, ClinGen allele CA4476011.

ClinVar aggregate classification (germline): Conflicting classifications of pathogenicity. Review status: criteria provided, conflicting classifications (1 of 4 stars). 6 submissions from 6 submitters: Uncertain significance (2); Likely benign (4). Last evaluated 2025-12-11.

Conditions:
Distal myopathy with posterior leg and anterior hand involvement. Also called: WILLIAMS DISTAL MYOPATHY. Identifiers: Orphanet 63273, MedGen C3279722, MONDO:0013550, OMIM 614065.
Myofibrillar myopathy 5. Also called: Filaminopathy (type); FILAMINOPATHY, AUTOSOMAL DOMINANT. Identifiers: Orphanet 171445, MedGen C1836050, MONDO:0012289, OMIM 609524.
Hypertrophic cardiomyopathy 26. Also called: Cardiomyopathy, familial hypertrophic, 26. Identifiers: Orphanet 75249, MedGen C4310749, MONDO:0014883, OMIM 617047.
Cardiovascular phenotype. Identifiers: MedGen CN230736.

Allele frequency attached by ClinVar (database versions not stated): gnomAD exomes 0.00002 and 0.00003; gnomAD 0.00003; TOPMed 0.00003; ExAC 0.00002.
gnomAD v4.1: 41 of 1,612,984 alleles (0.0025%); highest among the groups gnomAD compares: Admixed American, 0.017%; no homozygotes.

Submissions (6):

Labcorp Genetics (formerly Invitae), Labcorp
Classification: Likely benign for Distal myopathy with posterior leg and anterior hand involvement; Myofibrillar myopathy 5; Hypertrophic cardiomyopathy 26. Last evaluated: 2025-12-11. Review status: criteria provided, single submitter. Criteria: Invitae Variant Classification Sherloc (09022015). Collection method: clinical testing. Allele origin: germline.

Women's Health and Genetics/Laboratory Corporation of America, LabCorp
Classification: Likely benign. Last evaluated: 2025-04-15. Review status: criteria provided, single submitter. Criteria: LabCorp Variant Classification Summary - May 2015. Collection method: clinical testing. Allele origin: germline.
Comment: Variant summary: FLNC c.6538C>T (p.Arg2180Cys) results in a non-conservative amino acid change in the encoded protein sequence. Three of five in-silico tools predict a damaging effect of the variant on protein function. The variant allele was found at a frequency of 2.5e-05 in 1612984 control chromosomes, predominantly at a frequency of 0.00017 within the Latino subpopulation in the gnomAD database. The observed variant frequency within Latino control individuals in the gnomAD database is approximately 15.3 fold of the estimated maximal expected allele frequency for a pathogenic variant in FLNC causing Cardiomyopathy phenotype (1.1e-05). c.6538C>T has been observed in at-least one individual affected with arrhythmogenic cardiomyopathy, without strong evidence of causality (example: Verdonschot_2020). These report(s) do not provide unequivocal conclusions about association of the variant with Cardiomyopathy. To our knowledge, no experimental evidence demonstrating an impact on protein function has been reported. The following publication have been ascertained in the context of this evaluation (PMID: 32112656). ClinVar contains an entry for this variant (Variation ID: 655352). Based on the evidence outlined above, the variant was classified as likely benign.

Laboratory of Genetics, Children's Clinical University Hospital Latvia
Classification: Likely benign. Last evaluated: 2025-02-16. Review status: criteria provided, single submitter. Criteria: ACMG Guidelines, 2015. Collection method: clinical testing. Allele origin: germline. Affected: yes.

Ambry Genetics
Classification: Uncertain significance for Cardiovascular phenotype. Last evaluated: 2024-12-31. Review status: criteria provided, single submitter. Criteria: Ambry Variant Classification Scheme 2023. Collection method: clinical testing. Allele origin: germline.
Comment: The p.R2180C variant (also known as c.6538C>T), located in coding exon 40 of the FLNC gene, results from a C to T substitution at nucleotide position 6538. The arginine at codon 2180 is replaced by cysteine, an amino acid with highly dissimilar properties. This alteration was reported in a subject with arrhythmogenic cardiomyopathy (Verdonschot JAJ et al. Hum Mutat, 2020 06;41:1091-1111). This amino acid position is highly conserved in available vertebrate species. In addition, the in silico prediction for this alteration is inconclusive. Since supporting evidence is limited at this time, the clinical significance of this alteration remains unclear.

Blueprint Genetics
Classification: Likely benign. Last evaluated: 2024-10-15. Review status: criteria provided, single submitter. Criteria: ACMG Guidelines, 2015. Collection method: clinical testing. Allele origin: germline.

Revvity Omics, Revvity
Classification: Uncertain significance. Last evaluated: 2023-08-22. Review status: criteria provided, single submitter. Criteria: ACMG Guidelines, 2015. Collection method: clinical testing. Allele origin: germline.

Literature cited by the submitters: PubMed 32112656 (cited by Women's Health and Genetics/Laboratory Corporation of America, LabCorp and Ambry Genetics).